The following is an entry in ClinVar:

NM_001385079.1(PDE10A):c.845C>T (p.Thr282Ile)

Gene: PDE10A (phosphodiesterase 10A; minus strand). Cytogenetic location: 6q27.
Variant type: single nucleotide variant.
Coding change: c.845C>T on transcript NM_001385079.1 (MANE Select); coding-DNA position 845, C replaced by T.
Protein change: p.Thr282Ile; replaces threonine 282 with isoleucine.
Molecular consequence: missense variant. On other transcripts: 5 prime UTR variant (1).
Genome position (GRCh38, 1-based): chr6:165,661,967, G>A on the plus strand (C>T on the coding strand, the complement: PDE10A is on the minus strand). VCF-style: chr6-165661967-G-A. GRCh37 (hg19) VCF-style: chr6-166075455-G-A.
Other names: c.47C>T, p.Thr16Ile (NM_001130690.3); c.-112C>T (NM_006661.4); short protein forms T16I, T282I.
Identifiers: ClinVar variation 3640650 (VCV003640650.2).

ClinVar aggregate classification (germline): Uncertain significance (1 of 4 stars; one submission).

Submission:

Labcorp Genetics (formerly Invitae), Labcorp
Classification: Uncertain significance. Last evaluated: 2024-02-14. Review status: criteria provided, single submitter. Criteria: Invitae Variant Classification Sherloc (09022015). Collection method: clinical testing. Allele origin: germline.
Comment: This sequence change replaces threonine, which is neutral and polar, with isoleucine, which is neutral and non-polar, at codon 16 of the PDE10A protein (p.Thr16Ile). This variant is not present in population databases (gnomAD no frequency). This variant has not been reported in the literature in individuals affected with PDE10A-related conditions. An algorithm developed to predict the effect of missense changes on protein structure and function (PolyPhen-2) suggests that this variant is likely to be tolerated. In summary, the available evidence is currently insufficient to determine the role of this variant in disease. Therefore, it has been classified as a Variant of Uncertain Significance.